The following is an entry in ClinVar:

ClinVar aggregate classification (germline): Uncertain significance. Review status: criteria provided, multiple submitters, no conflicts (2 of 4 stars). 2 submissions from 2 submitters: Uncertain significance (2). Last evaluated 2025-07-17.

Conditions:
Sialuria. Also called: SIALURIA, FRENCH TYPE; Sialic Acid Storage Disease. Identifiers: Orphanet 3166, MedGen C0342853, MONDO:0010028, OMIM 269921.
GNE myopathy (NM). Also called: NONAKA DISTAL MYOPATHY; INCLUSION BODY MYOPATHY 2, AUTOSOMAL RECESSIVE; IBM 2; Inclusion body myopathy autosomal recessive; Inclusion body myopathy quadriceps sparing; MYOPATHY, DISTAL, WITH OR WITHOUT RIMMED VACUOLES. Identifiers: Orphanet 602, MedGen C1853926, MONDO:0011603, OMIM 605820.

Allele frequency attached by ClinVar (database versions not stated): gnomAD exomes below 0.00001; gnomAD 0.00001.
gnomAD v4.1: 4 of 1,613,900 alleles (0.00025%); highest among the groups gnomAD compares: Non-Finnish European, 0.00025%; no homozygotes.

Submissions (2):

Harry Perkins Institute Of Medical Research, University Of Western Australia
Classification: Uncertain significance for GNE myopathy. Last evaluated: 2025-07-17. Review status: criteria provided, single submitter. Criteria: ACMG Guidelines, 2015. Collection method: research. Allele origin: germline. Affected: yes.

Labcorp Genetics (formerly Invitae), Labcorp
Classification: Uncertain significance for Sialuria; GNE myopathy. Last evaluated: 2022-06-10. Review status: criteria provided, single submitter. Criteria: Invitae Variant Classification Sherloc (09022015). Collection method: clinical testing. Allele origin: germline.
Comment: This sequence change replaces isoleucine, which is neutral and non-polar, with threonine, which is neutral and polar, at codon 709 of the GNE protein (p.Ile709Thr). This variant is not present in population databases (gnomAD no frequency). This variant has not been reported in the literature in individuals affected with GNE-related conditions. Algorithms developed to predict the effect of missense changes on protein structure and function output the following: SIFT: "Tolerated"; PolyPhen-2: "Benign"; Align-GVGD: "Class C0". The threonine amino acid residue is found in multiple mammalian species, which suggests that this missense change does not adversely affect protein function. In summary, the available evidence is currently insufficient to determine the role of this variant in disease. Therefore, it has been classified as a Variant of Uncertain Significance.

NM_005476.7(GNE):c.2033T>C (p.Ile678Thr)

Gene: GNE (glucosamine (UDP-N-acetyl)-2-epimerase/N-acetylmannosamine kinase; minus strand). Cytogenetic location: 9p13.3.
Variant type: single nucleotide variant.
Coding change: c.2033T>C on transcript NM_005476.7 (MANE Select); coding-DNA position 2033, T replaced by C.
Protein change: p.Ile678Thr; replaces isoleucine 678 with threonine.
Molecular consequence: missense variant.
Genome position (GRCh38, 1-based): chr9:36,217,501, A>G on the plus strand (T>C on the coding strand, the complement: GNE is on the minus strand). VCF-style: chr9-36217501-A-G. GRCh37 (hg19) VCF-style: chr9-36217498-A-G.
Other names: c.2126T>C, p.Ile709Thr (NM_001128227.3); c.1811T>C, p.Ile604Thr (NM_001190383.3); c.1703T>C, p.Ile568Thr (NM_001190384.3); c.1856T>C, p.Ile619Thr (NM_001190388.2, NM_001374798.1); c.1880T>C, p.Ile627Thr (NM_001374797.1); short protein forms I678T, I709T, I568T, I627T, I604T, I619T.
Identifiers: ClinVar variation 2048455 (VCV002048455.2), dbSNP rs1828379695, ClinGen allele CA373424554.